The following is an entry in ClinVar:

NM_203447.4(DOCK8):c.3806A>C (p.Asn1269Thr)

Gene: DOCK8 (dedicator of cytokinesis 8; plus strand). Cytogenetic location: 9p24.3.
Variant type: single nucleotide variant.
Coding change: c.3806A>C on transcript NM_203447.4 (MANE Select); coding-DNA position 3806, A replaced by C.
Protein change: p.Asn1269Thr; replaces asparagine 1269 with threonine.
Molecular consequence: missense variant.
Genome position (GRCh38, 1-based): chr9:418,173, A>C. VCF-style: chr9-418173-A-C. GRCh37 (hg19) VCF-style: chr9-418173-A-C.
Other names: c.3506A>C, p.Asn1169Thr (NM_001190458.2); c.3602A>C, p.Asn1201Thr (NM_001193536.2); short protein forms N1201T, N1169T, N1269T.
Identifiers: ClinVar variation 3708881 (VCV003708881.1).

ClinVar aggregate classification (germline): Uncertain significance (1 of 4 stars; one submission).

gnomAD v4.1: 8 of 1,614,216 alleles (0.0005%); highest among the groups gnomAD compares: Middle Eastern, 0.016%; no homozygotes.

Submission:

Labcorp Genetics (formerly Invitae), Labcorp
Classification: Uncertain significance for Combined immunodeficiency due to DOCK8 deficiency. Last evaluated: 2024-05-29. Review status: criteria provided, single submitter. Criteria: Invitae Variant Classification Sherloc (09022015). Collection method: clinical testing. Allele origin: germline.
Comment: This sequence change replaces asparagine, which is neutral and polar, with threonine, which is neutral and polar, at codon 1269 of the DOCK8 protein (p.Asn1269Thr). This variant is present in population databases (rs758116479, gnomAD 0.0009%). This variant has not been reported in the literature in individuals affected with DOCK8-related conditions. Advanced modeling of protein sequence and biophysical properties (such as structural, functional, and spatial information, amino acid conservation, physicochemical variation, residue mobility, and thermodynamic stability) performed at Invitae indicates that this missense variant is not expected to disrupt DOCK8 protein function with a negative predictive value of 80%. In summary, the available evidence is currently insufficient to determine the role of this variant in disease. Therefore, it has been classified as a Variant of Uncertain Significance.